The following is an entry in ClinVar:

NM_006269.2(RP1):c.5564del (p.Lys1855fs)

Genes: RP1 (RP1 axonemal microtubule associated; plus strand), LOC126860392 (CDK7 strongly-dependent group 2 enhancer GRCh37_chr8:55541319-55542518; plus strand). Cytogenetic location: 8q12.1.
Variant type: Deletion.
Coding change: c.5564del on transcript NM_006269.2 (MANE Select); coding-DNA position 5564, one base deleted (A; older notation c.5564delA).
Protein change: p.Lys1855fs; shifts the reading frame from lysine 1855.
Molecular consequence: frameshift variant. On other transcripts: intron variant (1).
Genome position (GRCh38, 1-based): chr8:54,629,446, A deleted; the last of 2 consecutive A bases (chr8:54,629,445-54,629,446); deleting either gives the same sequence. VCF-style (leftmost placement, unchanged base first): chr8-54629444-GA-G. GRCh37 (hg19) VCF-style: chr8-55542004-GA-G.
Other names: c.787+7158del (NM_001375654.1); short protein forms K1855fs.
Identifiers: ClinVar variation 1213903 (VCV001213903.10), dbSNP rs2129318266, ClinGen allele CA2499219354.

ClinVar aggregate classification (germline): Pathogenic/Likely pathogenic. Review status: criteria provided, multiple submitters, no conflicts (2 of 4 stars). 4 submissions from 4 submitters: Pathogenic (2); Likely pathogenic (1). 1 of the submissions does not count toward it. Last evaluated 2024-09-29.

Conditions:
Retinitis pigmentosa 1 (RP1). Identifiers: Orphanet 791, MedGen C0220701, MONDO:0008377, OMIM 180100.
RP1-related disorder. Also called: RP1-related condition.

Submissions (4):

Labcorp Genetics (formerly Invitae), Labcorp
Classification: Pathogenic. Last evaluated: 2024-09-29. Review status: criteria provided, single submitter. Criteria: Invitae Variant Classification Sherloc (09022015). Collection method: clinical testing. Allele origin: germline.
Comment: This sequence change creates a premature translational stop signal (p.Lys1855Argfs*42) in the RP1 gene. While this is not anticipated to result in nonsense mediated decay, it is expected to disrupt the last 302 amino acid(s) of the RP1 protein. This variant is not present in population databases (gnomAD no frequency). This variant has not been reported in the literature in individuals affected with RP1-related conditions. ClinVar contains an entry for this variant (Variation ID: 1213903). This variant disrupts the C-terminus of the RP1 protein. Many variants that disrupt this region have been reported in individuals with either autosomal dominant or autosomal recessive retinitis pigmentosa (PMID: 11527933, 19933189, 29425069, 30027431, 33681214). Therefore, variants that disrupt this region are expected to be disease-causing. For these reasons, this variant has been classified as Pathogenic.

DBGen Ocular Genomics
Classification: Likely pathogenic for Retinitis pigmentosa 1. Last evaluated: 2021-06-21. Review status: criteria provided, single submitter. Criteria: ACMG Guidelines, 2015. Collection method: clinical testing. Allele origin: germline. Affected: yes. Observed: 2 variant alleles.

Blueprint Genetics
Classification: Pathogenic for RP1-related disorders. Last evaluated: 2020-08-14. Review status: criteria provided, single submitter. Criteria: ACMG Guidelines, 2015. Collection method: clinical testing. Allele origin: germline. Affected: yes. Observed: 2 variant alleles.

Laboratory of Genetics in Ophthalmology, Institut Imagine
Classification: Pathogenic for Retinitis pigmentosa 1. Review status: no assertion criteria provided. Collection method: research. Allele origin: inherited. Affected: yes. Not counted in ClinVar's aggregate classification.

Literature cited by the submitters: PubMed 11527933 (cited by Labcorp Genetics (formerly Invitae), Labcorp); PubMed 19933189 (cited by Labcorp Genetics (formerly Invitae), Labcorp); PubMed 29425069 (cited by Labcorp Genetics (formerly Invitae), Labcorp); PubMed 30027431 (cited by Labcorp Genetics (formerly Invitae), Labcorp); PubMed 33681214 (cited by Labcorp Genetics (formerly Invitae), Labcorp).